The following is an entry in ClinVar:

ClinVar aggregate classification (germline): Conflicting classifications of pathogenicity. Review status: criteria provided, conflicting classifications (1 of 4 stars). 7 submissions from 5 submitters: Uncertain significance (2); Benign (3); Likely benign (2). Last evaluated 2026-08-01.

Conditions:
Hypertrophic cardiomyopathy 1 (CMH1). Also called: Familial hypertrophic cardiomyopathy 1; MYH7-Related Familial Hypertrophic Cardiomyopathy. Identifiers: MedGen C3495498, MONDO:0008647, OMIM 192600.
MYH7-related skeletal myopathy. Also called: Laing distal myopathy; Laing early-onset distal myopathy; Myopathy, distal, 1; MYOPATHY, DISTAL, EARLY-ONSET, AUTOSOMAL DOMINANT; MYOPATHY, LATE DISTAL HEREDITARY. Identifiers: Orphanet 59135, MedGen C4552004, MONDO:0008050, OMIM 160500.
Myosin storage myopathy (CMYO7A). Also called: SCAPULOPERONEAL MUSCULAR DYSTROPHY; SCAPULOPERONEAL SYNDROME, MYOPATHIC TYPE; MYOPATHY WITH LYSIS OF TYPE I MYOFIBRILS; MYH7-related late-onset scapuloperoneal muscular dystrophy; Congenital myopathy 7A, myosin storage, autosomal dominant; MYOPATHY, HYALINE BODY, AUTOSOMAL DOMINANT. Identifiers: Orphanet 437572, Orphanet 636965, MedGen C1842160, MONDO:0008409, OMIM 608358.
Hypertrophic cardiomyopathy. Also called: HYPERTROPHIC MYOCARDIOPATHY. Identifiers: Orphanet 217569, MedGen C0007194, MeSH D002312, MONDO:0005045, HP:0001639.

Allele frequency attached by ClinVar (database versions not stated): 1000 Genomes Project 30x 0.00047; 1000 Genomes Project 0.00060; gnomAD 0.00185; TOPMed 0.00185; gnomAD exomes 0.00432.

Submissions (7):

CeGaT Center for Human Genetics Tuebingen
Classification: Likely benign. Last evaluated: 2026-08-01. Review status: criteria provided, single submitter. Criteria: CeGaT Center For Human Genetics Tuebingen Variant Classification Criteria Version 2. Collection method: clinical testing. Allele origin: germline. Affected: yes. Observed: 7 variant alleles.
Comment: MYH7: BS2

Labcorp Genetics (formerly Invitae), Labcorp
Classification: Benign for Hypertrophic cardiomyopathy. Last evaluated: 2025-11-21. Review status: criteria provided, single submitter. Criteria: Invitae Variant Classification Sherloc (09022015). Collection method: clinical testing. Allele origin: germline.

Blueprint Genetics
Classification: Likely benign. Last evaluated: 2018-04-24. Review status: criteria provided, single submitter. Criteria: ACMG Guidelines, 2015. Collection method: clinical testing. Allele origin: germline.

Illumina Laboratory Services, Illumina
Classification: Uncertain significance for Myosin storage myopathy. Last evaluated: 2018-01-13. Review status: criteria provided, single submitter. Criteria: ICSL Variant Classification Criteria 13 December 2019. Collection method: clinical testing. Allele origin: germline.

Illumina Laboratory Services, Illumina
Classification: Benign for MYH7-related skeletal myopathy. Last evaluated: 2018-01-13. Review status: criteria provided, single submitter. Criteria: ICSL Variant Classification Criteria 13 December 2019. Collection method: clinical testing. Allele origin: germline.
Comment: This variant was observed in the ICSL laboratory as part of a predisposition screen in an ostensibly healthy population. It had not been previously curated by ICSL or reported in the Human Gene Mutation Database (HGMD: prior to June 1st, 2018), and was therefore a candidate for classification through an automated scoring system. Utilizing variant allele frequency, disease prevalence and penetrance estimates, and inheritance mode, an automated score was calculated to assess if this variant is too frequent to cause the disease. Based on the score and internal cut-off values, a variant classified as benign is not then subjected to further curation. The score for this variant resulted in a classification of benign for this disease.

Illumina Laboratory Services, Illumina
Classification: Uncertain significance for Hypertrophic cardiomyopathy 1. Last evaluated: 2018-01-13. Review status: criteria provided, single submitter. Criteria: ICSL Variant Classification Criteria 13 December 2019. Collection method: clinical testing. Allele origin: germline.

GeneDx
Classification: Benign. Last evaluated: 2015-03-03. Review status: criteria provided, single submitter. Criteria: GeneDx Variant Classification Process June 2021. Collection method: clinical testing. Allele origin: germline. Affected: yes.
Comment: This variant is associated with the following publications: (PMID: 25351510)

NM_000257.4(MYH7):c.-62C>T

Gene: MYH7 (myosin heavy chain 7; minus strand). Cytogenetic location: 14q11.2.
Variant type: single nucleotide variant.
Coding change: c.-62C>T on transcript NM_000257.4 (MANE Select); 62 bases upstream of the start codon, C replaced by T.
Molecular consequence: 5 prime UTR variant.
Genome position (GRCh38, 1-based): chr14:23,434,247, G>A on the plus strand (C>T on the coding strand, the complement: MYH7 is on the minus strand). VCF-style: chr14-23434247-G-A. GRCh37 (hg19) VCF-style: chr14-23903456-G-A.
Other names: c.-62C>T (LRG_384t1).
Identifiers: ClinVar variation 312922 (VCV000312922.24), dbSNP rs45566639, ClinGen allele CA10639982.